The following is an entry in ClinVar:

ClinVar aggregate classification (germline): Uncertain significance (1 of 4 stars; one submission).

Submission:

Labcorp Genetics (formerly Invitae), Labcorp
Classification: Uncertain significance. Last evaluated: 2024-04-16. Review status: criteria provided, single submitter. Criteria: Invitae Variant Classification Sherloc (09022015). Collection method: clinical testing. Allele origin: germline.
Comment: This sequence change replaces proline, which is neutral and non-polar, with arginine, which is basic and polar, at codon 2164 of the KMT2A protein (p.Pro2164Arg). This variant is not present in population databases (gnomAD no frequency). This variant has not been reported in the literature in individuals affected with KMT2A-related conditions. Advanced modeling of protein sequence and biophysical properties (such as structural, functional, and spatial information, amino acid conservation, physicochemical variation, residue mobility, and thermodynamic stability) performed at Invitae indicates that this missense variant is expected to disrupt KMT2A protein function with a positive predictive value of 95%. In summary, the available evidence is currently insufficient to determine the role of this variant in disease. Therefore, it has been classified as a Variant of Uncertain Significance.

NM_001197104.2(KMT2A):c.6491C>G (p.Pro2164Arg)

Gene: KMT2A (lysine methyltransferase 2A; plus strand). Cytogenetic location: 11q23.3.
Variant type: single nucleotide variant.
Coding change: c.6491C>G on transcript NM_001197104.2 (MANE Select); coding-DNA position 6491, C replaced by G.
Protein change: p.Pro2164Arg; replaces proline 2164 with arginine.
Molecular consequence: missense variant.
Genome position (GRCh38, 1-based): chr11:118,501,843, C>G. VCF-style: chr11-118501843-C-G. GRCh37 (hg19) VCF-style: chr11-118372558-C-G.
Other names: c.6581C>G, p.Pro2194Arg (NM_001412597.1); c.6482C>G, p.Pro2161Arg (NM_005933.4); short protein forms P2164R, P2194R, P2161R.
Identifiers: ClinVar variation 3634330 (VCV003634330.2).